The following is an entry in ClinVar:

NM_152703.5(SAMD9L):c.1971A>T (p.Glu657Asp)

Gene: SAMD9L (sterile alpha motif domain containing 9 like; minus strand). Cytogenetic location: 7q21.2.
Variant type: single nucleotide variant.
Coding change: c.1971A>T on transcript NM_152703.5 (MANE Select); coding-DNA position 1971, A replaced by T.
Protein change: p.Glu657Asp; replaces glutamic acid 657 with aspartic acid.
Molecular consequence: missense variant.
Genome position (GRCh38, 1-based): chr7:93,134,001, T>A on the plus strand (A>T on the coding strand, the complement: SAMD9L is on the minus strand). VCF-style: chr7-93134001-T-A. GRCh37 (hg19) VCF-style: chr7-92763314-T-A.
Other names: c.1971A>T, p.Glu657Asp (NM_001303496.3, NM_001303497.3, NM_001303498.3 and 5 more transcripts); short protein forms E657D.
Identifiers: ClinVar variation 4864036 (VCV004864036.1).

ClinVar aggregate classification (germline): Uncertain significance (1 of 4 stars; one submission).

Conditions:
Inborn genetic diseases. Identifiers: MedGen C0950123, MeSH D030342.

Submission:

Ambry Genetics
Classification: Uncertain significance for Inborn genetic diseases. Last evaluated: 2026-06-14. Review status: criteria provided, single submitter. Criteria: Ambry Variant Classification Scheme 2023. Collection method: clinical testing. Allele origin: germline.
Comment: The p.E657D variant (also known as c.1971A>T), located in coding exon 1 of the SAMD9L gene, results from an A to T substitution at nucleotide position 1971. The glutamic acid at codon 657 is replaced by aspartic acid, an amino acid with highly similar properties. This amino acid position is conserved. In addition, this alteration is predicted to be tolerated by in silico analysis. Based on the available evidence, the clinical significance of this variant remains unclear.